The following is an entry in ClinVar:

NM_000038.6(APC):c.918T>G (p.Ser306Arg)

Gene: APC (APC regulator of Wnt signaling pathway; plus strand). Cytogenetic location: 5q22.2.
Variant type: single nucleotide variant.
Coding change: c.918T>G on transcript NM_000038.6 (MANE Select); coding-DNA position 918, T replaced by G.
Protein change: p.Ser306Arg; replaces serine 306 with arginine.
Molecular consequence: missense variant.
Genome position (GRCh38, 1-based): chr5:112,815,578, T>G. VCF-style: chr5-112815578-T-G. GRCh37 (hg19) VCF-style: chr5-112151275-T-G.
Other names: p.S306R:AGT>AGG; c.918T>G, p.Ser306Arg (NM_001127510.3, NM_001354895.2, NM_001354896.2 and 1 more transcripts); c.864T>G, p.Ser288Arg (NM_001127511.3); c.948T>G, p.Ser316Arg (NM_001354897.2, NM_001354902.2); c.843T>G, p.Ser281Arg (NM_001354898.2, NM_001354904.2); c.834T>G, p.Ser278Arg (NM_001354899.2); c.741T>G, p.Ser247Arg (NM_001354900.2, NM_001354901.2, NM_001354905.2); c.69T>G, p.Ser23Arg (NM_001354906.2); short protein forms S288R, S306R, S281R, S23R, S247R, S278R, S316R.
Identifiers: ClinVar variation 181783 (VCV000181783.40), dbSNP rs730881231, ClinGen allele CA015653.

ClinVar aggregate classification (germline): Conflicting classifications of pathogenicity. Review status: criteria provided, conflicting classifications (1 of 4 stars). 12 submissions from 12 submitters: Uncertain significance (7); Likely benign (3). 2 of the submissions do not count toward it. Last evaluated 2025-12-29.

Conditions:
Classic or attenuated familial adenomatous polyposis. Identifiers: MedGen CN372698, MONDO:0021057.
APC-related disorder. Also called: APC-related condition.
Gardner syndrome (GS). Also called: Gardner's syndrome; Polyposis coli and multiple hard and soft tissue tumors; Intestinal polyposis, osteomas, sebaceous cysts. Identifiers: MedGen C0017097, MONDO:0019336. Disease mechanism: loss of function.
APC-related attenuated familial adenomatous polyposis. Identifiers: MedGen CN276349, MONDO:0016613.
Hereditary cancer-predisposing syndrome. Also called: Tumor predisposition; Hereditary Cancer Syndrome; Hereditary neoplastic syndrome; Neoplastic Syndromes, Hereditary. Identifiers: Orphanet 140162, MedGen C0027672, MeSH D009386, MONDO:0015356.
Familial adenomatous polyposis 1 (FAP1). Also called: FAMILIAL ADENOMATOUS POLYPOSIS 1, ATTENUATED; POLYPOSIS, ADENOMATOUS INTESTINAL. Identifiers: MedGen C2713442, MONDO:0021056, OMIM 175100. Disease mechanism: loss of function.

Allele frequency attached by ClinVar (database versions not stated): gnomAD 0.00001; TOPMed 0.00001; ExAC 0.00002; gnomAD exomes 0.00002 and 0.00004.
gnomAD v4.1: 59 of 1,610,922 alleles (0.0037%); highest among the groups gnomAD compares: Non-Finnish European, 0.0048%; no homozygotes.

Submissions (12):

Center for Genomic Medicine, Rigshospitalet, Copenhagen University Hospital
Classification: Likely benign. Last evaluated: 2025-12-29. Review status: criteria provided, single submitter. Criteria: ACMG Guidelines, 2015. Collection method: clinical testing. Allele origin: germline.
Comment: Classification criteria: BS1, BP1

Labcorp Genetics (formerly Invitae), Labcorp
Classification: Uncertain significance for Familial adenomatous polyposis 1. Last evaluated: 2025-11-10. Review status: criteria provided, single submitter. Criteria: Invitae Variant Classification Sherloc (09022015). Collection method: clinical testing. Allele origin: germline.
Comment: This sequence change replaces serine, which is neutral and polar, with arginine, which is basic and polar, at codon 306 of the APC protein (p.Ser306Arg). This variant is present in population databases (rs730881231, gnomAD 0.005%). This variant has not been reported in the literature in individuals affected with APC-related conditions. ClinVar contains an entry for this variant (Variation ID: 181783). Invitae Evidence Modeling of protein sequence and biophysical properties (such as structural, functional, and spatial information, amino acid conservation, physicochemical variation, residue mobility, and thermodynamic stability) indicates that this missense variant is not expected to disrupt APC protein function with a negative predictive value of 95%. In summary, the available evidence is currently insufficient to determine the role of this variant in disease. Therefore, it has been classified as a Variant of Uncertain Significance.

Color Diagnostics, LLC DBA Color Health
Classification: Likely benign for Hereditary cancer-predisposing syndrome. Last evaluated: 2025-01-06. Review status: criteria provided, single submitter. Criteria: ACMG Guidelines, 2015. Collection method: clinical testing. Allele origin: germline.

All of Us Research Program, National Institutes of Health
Classification: Uncertain significance for Classic or attenuated familial adenomatous polyposis. Last evaluated: 2023-10-27. Review status: criteria provided, single submitter. Criteria: ACMG Guidelines, 2015. Collection method: clinical testing. Allele origin: germline. Inheritance: Autosomal dominant inheritance. Observed: 4 variant alleles, 4 heterozygotes.
Comment: This missense variant replaces serine with arginine at codon 306 of the APC protein. Computational prediction is inconclusive regarding the impact of this variant on protein structure and function (internally defined REVEL score threshold 0.5 < inconclusive < 0.7, PMID: 27666373). To our knowledge, functional studies have not been reported for this variant. This variant has not been reported in individuals affected with APC-related disorders in the literature. This variant has been identified in 6/251136 chromosomes in the general population by the Genome Aggregation Database (gnomAD). The available evidence is insufficient to determine the role of this variant in disease conclusively. Therefore, this variant is classified as a Variant of Uncertain Significance.

This study involves interpretation of variants in research participants for the purpose of population health screening. Participant phenotype was not available at the time of variant classification. Additional details can be found in publication PMID: 35346344, PMCID: PMC8962531

GeneDx
Classification: Uncertain significance. Last evaluated: 2023-10-03. Review status: criteria provided, single submitter. Criteria: GeneDx Variant Classification Process June 2021. Collection method: clinical testing. Allele origin: germline. Affected: yes.
Comment: In silico analysis supports that this missense variant does not alter protein structure/function; Observed in an individual with melanoma (Yehia et al., 2018); This variant is associated with the following publications: (PMID: 29684080)

Baylor Genetics
Classification: Uncertain significance for Familial adenomatous polyposis 1. Last evaluated: 2023-09-19. Review status: criteria provided, single submitter. Criteria: ACMG Guidelines, 2015. Collection method: clinical testing. Allele origin: unknown.

Ambry Genetics
Classification: Likely benign for Hereditary cancer-predisposing syndrome. Last evaluated: 2023-03-10. Review status: criteria provided, single submitter. Criteria: Ambry Variant Classification Scheme 2023. Collection method: clinical testing. Allele origin: germline.

Myriad Genetics, Inc.
Classification: Uncertain significance for Familial adenomatous polyposis 1. Last evaluated: 2023-02-17. Review status: criteria provided, single submitter. Criteria: Myriad Autosomal Dominant, Autosomal Recessive and X-Linked Classification Criteria (2023). Collection method: clinical testing. Allele origin: unknown.
Comment: This variant is classified as a variant of uncertain significance as there is insufficient evidence to determine its impact on protein function and/or cancer risk.

Department of Pathology and Laboratory Medicine, Sinai Health System
Classification: Uncertain significance. Last evaluated: 2020-09-08. Review status: criteria provided, single submitter. Criteria: ACMG Guidelines, 2015. Collection method: clinical testing. Allele origin: germline. Affected: yes.

Women's Health and Genetics/Laboratory Corporation of America, LabCorp
Classification: Uncertain significance. Last evaluated: 2019-09-06. Review status: criteria provided, single submitter. Criteria: LabCorp Variant Classification Summary - May 2015. Collection method: clinical testing. Allele origin: germline.
Comment: Variant summary: APC c.918T>G (p.Ser306Arg) results in a non-conservative amino acid change in the encoded protein sequence. Four of five in-silico tools predict a damaging effect of the variant on protein function. The variant allele was found at a frequency of 2.4e-05 in 251136 control chromosomes. The available data on variant occurrences in the general population are insufficient to allow any conclusion about variant significance. To our knowledge, no occurrence of c.918T>G in individuals affected with Familial Adenomatous Polyposis and no experimental evidence demonstrating its impact on protein function have been reported. Four clinical diagnostic laboratories have submitted clinical-significance assessments for this variant to ClinVar after 2014 without evidence for independent evaluation. All laboratories classified the variant as uncertain significance. Based on the evidence outlined above, the variant was classified as uncertain significance.

PreventionGenetics, part of Exact Sciences
Classification: Uncertain significance for APC-related condition. Last evaluated: 2024-04-18. Review status: no assertion criteria provided. Collection method: clinical testing. Allele origin: germline. Not counted in ClinVar's aggregate classification.
Comment: The APC c.918T>G variant is predicted to result in the amino acid substitution p.Ser306Arg. This variant, along with another missense change in the same gene, has been reported in a cohort study of individuals with Cowden syndrome and Bannayan-Riley-Ruvalcaba syndrome (S9 Table, Yehia et al 2018. PubMed ID: 29684080). This variant is reported in 0.0053% of alleles in individuals of European (Non-Finnish) descent in gnomAD. This variant is interpreted as a variant of uncertain significance by majority of the submitters in ClinVar. At this time, the clinical significance of this variant is uncertain due to the absence of conclusive functional and genetic evidence.

Counsyl
Classification: Uncertain significance for Familial adenomatous polyposis 1. Last evaluated: 2018-01-25. Review status: no assertion criteria provided. Collection method: clinical testing. Allele origin: unknown. Not counted in ClinVar's aggregate classification.

Literature cited by the submitters: PubMed 29684080 (cited by Ambry Genetics).